The following is an entry in ClinVar:

NM_000018.4(ACADVL):c.1497CCT[1] (p.Leu502del)

Gene: ACADVL (acyl-CoA dehydrogenase very long chain; plus strand). Cytogenetic location: 17p13.1.
Variant type: Microsatellite.
Coding change: c.1497CCT[1] on transcript NM_000018.4 (MANE Select); one copy of the 3-base unit CCT starting at c.1497; the reference has two copies in a row; one copy, 3 bases deleted; also written c.1500_1502del.
Protein change: p.Leu502del; deletes leucine 502.
Molecular consequence: inframe deletion.
Genome position (GRCh38, 1-based): chr17:7,224,211-7,224,213, CCT deleted; deleting any 3 consecutive bases within chr17:7,224,208-7,224,213 gives the same sequence; the position shown is the placement nearest the transcript's 3' end. VCF-style (leftmost placement, unchanged base first): chr17-7224207-GCCT-G. GRCh37 (hg19) VCF-style: chr17-7127526-GCCT-G.
Other names: NM_000018.4(ACADVL):c.1497CCT[1]; p.Leu502del; c.1500_1502delCCT (NM_000018.3); c.1431CCT[1], p.Leu480del (NM_001033859.3); c.1566CCT[1], p.Leu525del (NM_001270447.2); c.1269CCT[1], p.Leu426del (NM_001270448.2); c.1500_1502del (NM_000018.4); short protein forms L426del, L480del, L525del, L502del.
Identifiers: ClinVar variation 854401 (VCV000854401.16), dbSNP rs762619071, ClinGen allele CA8338130.

ClinVar aggregate classification (germline): Likely pathogenic. Review status: reviewed by expert panel (3 of 4 stars). 6 submissions from 6 submitters: Likely pathogenic (1). 5 of the submissions do not count toward it. Last evaluated 2022-12-13.

Conditions:
Very long chain acyl-CoA dehydrogenase deficiency (ACADVLD). Also called: VLCAD Deficiency; Very Long-Chain Acyl-Coenzyme A Dehydrogenase Deficiency. Identifiers: Orphanet 26793, MedGen C3887523, MONDO:0008723, OMIM 201475.

Submissions (6):

ClinGen ACADVL Variant Curation Expert Panel, ClinGen
Classification: Likely pathogenic for Very long chain acyl-CoA dehydrogenase deficiency. Last evaluated: 2022-12-13. Review status: reviewed by expert panel. Criteria: clingen acadvl acmg specifications v1. Collection method: curation. Allele origin: germline. Inheritance: Autosomal recessive inheritance.
Comment: The c.1500_1502del variant is predicted to cause a change in the length of the protein (p.Leu502del) due to an in-frame deletion of one amino acid in a non-repeat region (PM4). This variant has been detected in six individuals with very long chain acyl CoA dehydrogenase (VLCAD) deficiency. Of those individuals, one was assumed compound heterozygous for the variant and a distinct pathogenic variant, p.Val243Ala; parental confirmation was not provided (PM3 points=0.5, PMID: 30194637, ClinVar Variation ID: 21025). Five individuals were homozygous for the variant (PM3 points = 1.0 max, PMIDs: 26385305, 27943070, 24765510, 32793418) (Total PM3 points = 1.5; PM3). At least one patient with this variant displayed VLCAD enzyme activity <= 20% of normal which is highly specific for very long chain acyl-CoA dehydrogenase (VLCAD) deficiency (PP4_Moderate, PMIDs: 30194637, 27943070, 32793418). This variant resides within a region, amino acids 481-516: Membrane binding, of ACADVL that is defined as a critical functional domain by the ClinGen ACADVL Variant Curation Expert Panel (PMIDs: 18227065, 20060901) (PM1). The highest population minor allele frequency in gnomAD v2.1.1 is 0.000008795 in Non-Finnish European population, which is lower than the ClinGen ACADVL Variant Curation Expert Panel threshold (<0.001) for PM2_Supporting, meeting this criterion (PM2_Supporting). In summary, this variant meets the criteria to be classified as LIKELY PATHOGENIC for autosomal recessive very long chain acyl-CoA dehydrogenase (VLCAD) deficiency based on the ACMG/AMP criteria applied, as specified by the ClinGen ACADVL Variant Curation Expert Panel: PM3, PP4_Moderate, PM1, PM4, PM2_Supporting. (ClinGen ACADVL VCEP specifications version#1.0; approved 12-13-22)

Dasa
Classification: Likely pathogenic. Last evaluated: 2026-03-16. Review status: criteria provided, single submitter. Criteria: DASA Assertion Criteria. Collection method: clinical testing. Allele origin: germline. Not counted in ClinVar's aggregate classification.
Comment: NM_000018.4(ACADVL):c.1500_1502del (p.Leu502del) is an in-frame deletion predicted to remove leucine at protein position 502 without shifting the reading frame. This variant has been reported in individuals with ACADVL-related disorders (PMID: 38651394). Also, this variant is rare in population databases. Based on the currently available evidence, this variant is classified as likely pathogenic.

Labcorp Genetics (formerly Invitae), Labcorp
Classification: Pathogenic for Very long chain acyl-CoA dehydrogenase deficiency. Last evaluated: 2025-07-21. Review status: criteria provided, single submitter. Criteria: Invitae Variant Classification Sherloc (09022015). Collection method: clinical testing. Allele origin: germline. Not counted in ClinVar's aggregate classification.
Comment: This variant, c.1500_1502del, results in the deletion of 1 amino acid(s) of the ACADVL protein (p.Leu502del), but otherwise preserves the integrity of the reading frame. This variant is present in population databases (rs762619071, gnomAD 0.0009%). This variant has been observed in individual(s) with very long-chain acyl-CoA dehydrogenase deficiency (PMID: 16488171, 19327992, 24765510). It has also been observed to segregate with disease in related individuals. This variant is also known as c.1497_1499delCCT. ClinVar contains an entry for this variant (Variation ID: 854401). For these reasons, this variant has been classified as Pathogenic.

Fulgent Genetics
Classification: Likely pathogenic for Very long chain acyl-CoA dehydrogenase deficiency. Last evaluated: 2024-01-20. Review status: criteria provided, single submitter. Criteria: ACMG Guidelines, 2015. Collection method: clinical testing. Allele origin: germline. Not counted in ClinVar's aggregate classification.

MGZ Medical Genetics Center
Classification: Likely pathogenic for Very long chain acyl-CoA dehydrogenase deficiency. Last evaluated: 2021-09-29. Review status: criteria provided, single submitter. Criteria: ACMG Guidelines, 2015. Collection method: clinical testing. Allele origin: germline. Affected: yes. Observed: 1 variant allele. Not counted in ClinVar's aggregate classification.
Comment: ACMG criteria applied: PS3, PS4_MOD, PM4, PP1

Wong Mito Lab, Molecular and Human Genetics, Baylor College of Medicine
Classification: Pathogenic for Very long chain acyl-CoA dehydrogenase deficiency. Last evaluated: 2019-11-01. Review status: criteria provided, single submitter. Criteria: ACMG Guidelines, 2015. Collection method: clinical testing. Allele origin: germline. Not counted in ClinVar's aggregate classification.
Comment: The NM_000018.3:c.1500_1502delCCT (NP_000009.1:p.Leu502del) [GRCH38: NC_000017.11:g.7224211_7224213delCCT] variant in ACADVL gene is interpretated to be Pathogenic based on ACMG guidelines (PMID: 25741868). This variant has been reported in PMID: 16488171. This variant meets the following evidence codes reported in the ACMG guidelines: PVS1, PS3

Literature cited by the submitters: PubMed 38651394 (cited by Dasa); PubMed 27943070 (cited by Dasa); PubMed 19327992 (cited by Dasa and Labcorp Genetics (formerly Invitae), Labcorp); PubMed 32793418 (cited by Dasa); PubMed 16488171 (cited by Labcorp Genetics (formerly Invitae), Labcorp and Wong Mito Lab, Molecular and Human Genetics, Baylor College of Medicine); PubMed 24765510 (cited by Labcorp Genetics (formerly Invitae), Labcorp).